The following is an entry in ClinVar:

ClinVar aggregate classification (germline): Uncertain significance (1 of 4 stars; one submission).

Conditions:
Catecholaminergic polymorphic ventricular tachycardia 1. Also called: VENTRICULAR TACHYCARDIA, STRESS-INDUCED POLYMORPHIC 1; VENTRICULAR TACHYCARDIA, CATECHOLAMINERGIC POLYMORPHIC, 1, WITH OR WITHOUT ATRIAL DYSFUNCTION AND/OR DILATED CARDIOMYOPATHY; RYR2-Related Catecholaminergic Polymorphic Ventricular Tachycardia. Identifiers: Orphanet 3286, MedGen C1631597, MONDO:0011484, OMIM 604772.

gnomAD v4.1: 6 of 1,233,426 alleles (0.00049%); highest among the groups gnomAD compares: Non-Finnish European, 0.00065%; no homozygotes.

Submission:

Labcorp Genetics (formerly Invitae), Labcorp
Classification: Uncertain significance for Catecholaminergic polymorphic ventricular tachycardia 1. Last evaluated: 2021-04-03. Review status: criteria provided, single submitter. Criteria: Invitae Variant Classification Sherloc (09022015). Collection method: clinical testing. Allele origin: germline.
Comment: In summary, the available evidence is currently insufficient to determine the role of this variant in disease. Therefore, it has been classified as a Variant of Uncertain Significance. Nucleotide substitutions within the consensus splice site are a relatively common cause of aberrant splicing (PMID: 17576681, 9536098). Algorithms developed to predict the effect of sequence changes on RNA splicing suggest that this variant is not likely to affect RNA splicing, but this prediction has not been confirmed by published transcriptional studies. This variant has not been reported in the literature in individuals with TRDN-related conditions. This variant is not present in population databases (ExAC no frequency). This sequence change falls in intron 5 of the TRDN gene. It does not directly change the encoded amino acid sequence of the TRDN protein. It affects a nucleotide within the consensus splice site of the intron.

Literature cited by the submitters: PubMed 17576681; PubMed 9536098.

NM_006073.4(TRDN):c.484+6C>T

Gene: TRDN (triadin; minus strand). Cytogenetic location: 6q22.31.
Variant type: single nucleotide variant.
Coding change: c.484+6C>T on transcript NM_006073.4 (MANE Select); 6 bases into the intron after coding-DNA position 484, C replaced by T.
Molecular consequence: intron variant.
Genome position (GRCh38, 1-based): chr6:123,530,500, G>A on the plus strand (C>T on the coding strand, the complement: TRDN is on the minus strand). VCF-style: chr6-123530500-G-A. GRCh37 (hg19) VCF-style: chr6-123851645-G-A.
Other names: c.484+6C>T (NM_001251987.2, NM_001256020.2, NM_001256021.2 and 1 more transcripts).
Identifiers: ClinVar variation 1405427 (VCV001405427.5), dbSNP rs115773202, ClinGen allele CA2573140565.